The following is an entry in ClinVar:

NM_024675.4(PALB2):c.2235A>G (p.Lys745=)

Gene: PALB2 (partner and localizer of BRCA2; minus strand). Cytogenetic location: 16p12.2.
Variant type: single nucleotide variant.
Coding change: c.2235A>G on transcript NM_024675.4 (MANE Select); coding-DNA position 2235, A replaced by G.
Protein change: p.Lys745=; no amino-acid change (lysine 745 retained).
Molecular consequence: synonymous variant.
Genome position (GRCh38, 1-based): chr16:23,629,919, T>C on the plus strand (A>G on the coding strand, the complement: PALB2 is on the minus strand). VCF-style: chr16-23629919-T-C. GRCh37 (hg19) VCF-style: chr16-23641240-T-C.
Identifiers: ClinVar variation 509245 (VCV000509245.18), dbSNP rs765854776, ClinGen allele CA7963608.

ClinVar aggregate classification (germline): Benign/Likely benign. Review status: criteria provided, multiple submitters, no conflicts (2 of 4 stars). 5 submissions from 5 submitters: Benign (1); Likely benign (4). Last evaluated 2026-01-08.

Conditions:
Hereditary cancer-predisposing syndrome. Also called: Hereditary neoplastic syndrome; Hereditary Cancer Syndrome; Neoplastic Syndromes, Hereditary; Tumor predisposition. Identifiers: Orphanet 140162, MedGen C0027672, MeSH D009386, MONDO:0015356.
Familial cancer of breast. Also called: hereditary breast carcinoma; BREAST CANCER, FAMILIAL; Hereditary breast cancer. Identifiers: Orphanet 227535, MedGen C0346153, MONDO:0016419, OMIM 114480. Disease mechanism: loss of function.

Allele frequency attached by ClinVar (database versions not stated): gnomAD exomes below 0.00001 and 0.00001; TOPMed below 0.00001; gnomAD 0.00001; ExAC 0.00002.
gnomAD v4.1: 3 of 1,614,078 alleles (0.00019%); highest among the groups gnomAD compares: Non-Finnish European, 0.00025%; no homozygotes.

Submissions (5):

Labcorp Genetics (formerly Invitae), Labcorp
Classification: Likely benign for Familial cancer of breast. Last evaluated: 2026-01-08. Review status: criteria provided, single submitter. Criteria: Invitae Variant Classification Sherloc (09022015). Collection method: clinical testing. Allele origin: germline.

Myriad Genetics, Inc.
Classification: Benign for Familial cancer of breast. Last evaluated: 2025-01-15. Review status: criteria provided, single submitter. Criteria: Myriad Autosomal Dominant, Autosomal Recessive and X-Linked Classification Criteria (2023). Collection method: clinical testing. Allele origin: unknown.
Comment: This variant is considered benign. This variant is a silent/synonymous amino acid change and it is not expected to impact splicing.

Color Diagnostics, LLC DBA Color Health
Classification: Likely benign for Hereditary cancer-predisposing syndrome. Last evaluated: 2018-05-15. Review status: criteria provided, single submitter. Criteria: ACMG Guidelines, 2015. Collection method: clinical testing. Allele origin: germline.

GeneDx
Classification: Likely benign. Last evaluated: 2017-04-25. Review status: criteria provided, single submitter. Criteria: GeneDx Variant Classification (06012015). Collection method: clinical testing. Allele origin: germline. Affected: yes.
Comment: This variant is considered likely benign or benign based on one or more of the following criteria: it is a conservative change, it occurs at a poorly conserved position in the protein, it is predicted to be benign by multiple in silico algorithms, and/or has population frequency not consistent with disease.

Ambry Genetics
Classification: Likely benign for Hereditary cancer-predisposing syndrome. Last evaluated: 2015-12-12. Review status: criteria provided, single submitter. Criteria: Ambry Variant Classification Scheme 2023. Collection method: clinical testing. Allele origin: germline.